The following is an entry in ClinVar:

NM_000426.4(LAMA2):c.3089_3126dup (p.Lys1043fs)

Gene: LAMA2 (laminin subunit alpha 2; plus strand). Cytogenetic location: 6q22.33.
Variant type: Duplication.
Coding change: c.3089_3126dup on transcript NM_000426.4 (MANE Select); coding-DNA positions 3089 to 3126, 38 bases duplicated.
Protein change: p.Lys1043fs; shifts the reading frame from lysine 1043.
Molecular consequence: frameshift variant.
Genome position (GRCh38, 1-based): chr6:129,300,787-129,300,824, 38 bases duplicated; duplicating any 38 consecutive bases within chr6:129,300,786-129,300,824 gives the same sequence; the c. name uses the placement nearest the transcript's 3' end. GRCh37 (hg19): chr6:129,621,932-129,621,969.
Other names: p.Lys1043Alafs*45; c.3089_3126dup (NM_000426.3); c.3089_3126dup, p.Lys1043fs (NM_001079823.2); short protein forms K1043fs.
Identifiers: ClinVar variation 1457583 (VCV001457583.8), dbSNP rs2114460969, ClinGen allele CA2573140461.

ClinVar aggregate classification (germline): Pathogenic/Likely pathogenic. Review status: criteria provided, multiple submitters, no conflicts (2 of 4 stars). 3 submissions from 3 submitters: Pathogenic (1); Likely pathogenic (2). Last evaluated 2025-05-27.

Conditions:
Merosin deficient congenital muscular dystrophy (MDC1A). Also called: Congenital Muscular Dystrophy Type 1A (MDC1A); Congenital merosin-deficient muscular dystrophy 1A. Identifiers: Orphanet 258, MedGen C1263858, MONDO:0011925, OMIM 607855.
LAMA2-related muscular dystrophy (LAMA2-RD). Also called: Laminin alpha 2-related dystrophy. Identifiers: MedGen C5679788, MONDO:0100228.

Submissions (3):

Labcorp Genetics (formerly Invitae), Labcorp
Classification: Pathogenic for LAMA2-related muscular dystrophy. Last evaluated: 2025-05-27. Review status: criteria provided, single submitter. Criteria: Invitae Variant Classification Sherloc (09022015). Collection method: clinical testing. Allele origin: germline.
Comment: This sequence change creates a premature translational stop signal (p.Lys1043Alafs*45) in the LAMA2 gene. It is expected to result in an absent or disrupted protein product. Loss-of-function variants in LAMA2 are known to be pathogenic (PMID: 18700894, 32904964). This variant is not present in population databases (gnomAD no frequency). This variant has not been reported in the literature in individuals affected with LAMA2-related conditions. ClinVar contains an entry for this variant (Variation ID: 1457583). For these reasons, this variant has been classified as Pathogenic.

Mayo Clinic Laboratories, Mayo Clinic
Classification: Likely pathogenic. Last evaluated: 2025-04-01. Review status: criteria provided, single submitter. Criteria: ACMG Guidelines, 2015. Collection method: clinical testing. Allele origin: germline. Observed: 1 variant allele.
Comment: PM2_supporting, PVS1

Baylor Genetics
Classification: Likely pathogenic for Merosin deficient congenital muscular dystrophy. Last evaluated: 2023-10-28. Review status: criteria provided, single submitter. Criteria: ACMG Guidelines, 2015. Collection method: clinical testing. Allele origin: unknown.

Literature cited by the submitters: PubMed 18700894 (cited by Labcorp Genetics (formerly Invitae), Labcorp); PubMed 32904964 (cited by Labcorp Genetics (formerly Invitae), Labcorp).